The following is an entry in ClinVar:

ClinVar aggregate classification (germline): Likely benign. Review status: criteria provided, multiple submitters, no conflicts (2 of 4 stars). 3 submissions from 3 submitters: Likely benign (2). 1 of the submissions does not count toward it. Last evaluated 2026-04-01.

Conditions:
MRPS2-related disorder. Also called: MRPS2-related condition.

Allele frequency attached by ClinVar (database versions not stated): gnomAD 0.00005; 1000 Genomes Project 30x 0.00062; 1000 Genomes Project 0.00080.

Submissions (3):

CeGaT Center for Human Genetics Tuebingen
Classification: Likely benign. Last evaluated: 2026-04-01. Review status: criteria provided, single submitter. Criteria: CeGaT Center For Human Genetics Tuebingen Variant Classification Criteria Version 2. Collection method: clinical testing. Allele origin: germline. Affected: yes. Observed: 1 variant allele.
Comment: MRPS2: BP4, BP7

Labcorp Genetics (formerly Invitae), Labcorp
Classification: Likely benign. Last evaluated: 2026-01-19. Review status: criteria provided, single submitter. Criteria: Invitae Variant Classification Sherloc (09022015). Collection method: clinical testing. Allele origin: germline.

PreventionGenetics, part of Exact Sciences
Classification: Likely benign for MRPS2-related condition. Last evaluated: 2020-06-23. Review status: no assertion criteria provided. Collection method: clinical testing. Allele origin: germline. Not counted in ClinVar's aggregate classification.
Comment: This variant is classified as likely benign based on ACMG/AMP sequence variant interpretation guidelines (Richards et al. 2015 PMID: 25741868, with internal and published modifications).

NM_016034.5(MRPS2):c.456G>A (p.Ser152=)

Genes: MRPS2 (mitochondrial ribosomal protein S2; plus strand), LOC101928525 (uncharacterized LOC101928525; minus strand). Cytogenetic location: 9q34.3.
Variant type: single nucleotide variant.
Coding change: c.456G>A on transcript NM_016034.5 (MANE Select); coding-DNA position 456, G replaced by A.
Protein change: p.Ser152=; no amino-acid change (serine 152 retained).
Molecular consequence: synonymous variant. On other transcripts: non-coding transcript variant (5).
Genome position (GRCh38, 1-based): chr9:135,503,698, G>A. VCF-style: chr9-135503698-G-A. GRCh37 (hg19) VCF-style: chr9-138395544-G-A.
Other names: c.456G>A, p.Ser152= (NM_001371401.1); c.456G>A (NM_016034.4).
Identifiers: ClinVar variation 2056694 (VCV002056694.8), dbSNP rs199707811, ClinGen allele CA5323944.